The following is an entry in ClinVar:

ClinVar aggregate classification (germline): Uncertain significance (1 of 4 stars; one submission).

gnomAD v4.1: 13 of 1,614,092 alleles (0.00081%); highest among the groups gnomAD compares: South Asian, 0.0044%; no homozygotes.

Submission:

Labcorp Genetics (formerly Invitae), Labcorp
Classification: Uncertain significance. Last evaluated: 2025-07-15. Review status: criteria provided, single submitter. Criteria: Invitae Variant Classification Sherloc (09022015). Collection method: clinical testing. Allele origin: germline.
Comment: This sequence change replaces proline, which is neutral and non-polar, with alanine, which is neutral and non-polar, at codon 574 of the PPP1R15B protein (p.Pro574Ala). This variant is present in population databases (rs767161987, gnomAD 0.003%). This variant has not been reported in the literature in individuals affected with PPP1R15B-related conditions. Invitae Evidence Modeling of protein sequence and biophysical properties (such as structural, functional, and spatial information, amino acid conservation, physicochemical variation, residue mobility, and thermodynamic stability) indicates that this missense variant is expected to disrupt PPP1R15B protein function with a positive predictive value of 80%. In summary, the available evidence is currently insufficient to determine the role of this variant in disease. Therefore, it has been classified as a Variant of Uncertain Significance.

NM_032833.5(PPP1R15B):c.1720C>G (p.Pro574Ala)

Gene: PPP1R15B (protein phosphatase 1 regulatory subunit 15B; minus strand). Cytogenetic location: 1q32.1.
Variant type: single nucleotide variant.
Coding change: c.1720C>G on transcript NM_032833.5 (MANE Select); coding-DNA position 1720, C replaced by G.
Protein change: p.Pro574Ala; replaces proline 574 with alanine.
Molecular consequence: missense variant.
Genome position (GRCh38, 1-based): chr1:204,409,692, G>C on the plus strand (C>G on the coding strand, the complement: PPP1R15B is on the minus strand). VCF-style: chr1-204409692-G-C. GRCh37 (hg19) VCF-style: chr1-204378820-G-C.
Other names: short protein forms P574A.
Identifiers: ClinVar variation 4761365 (VCV004761365.1).